The following is an entry in ClinVar:

NM_003238.6(TGFB2):c.514C>T (p.Leu172Phe)

Gene: TGFB2 (transforming growth factor beta 2; plus strand). Cytogenetic location: 1q41.
Variant type: single nucleotide variant.
Coding change: c.514C>T on transcript NM_003238.6 (MANE Select); coding-DNA position 514, C replaced by T.
Protein change: p.Leu172Phe; replaces leucine 172 with phenylalanine.
Molecular consequence: missense variant. On other transcripts: non-coding transcript variant (2).
Genome position (GRCh38, 1-based): chr1:218,434,085, C>T. VCF-style: chr1-218434085-C-T. GRCh37 (hg19) VCF-style: chr1-218607427-C-T.
Other names: c.598C>T, p.Leu200Phe (NM_001135599.4); short protein forms L172F, L200F.
Identifiers: ClinVar variation 1038499 (VCV001038499.12), dbSNP rs1291056000, ClinGen allele CA344726426.

ClinVar aggregate classification (germline): Uncertain significance. Review status: criteria provided, multiple submitters, no conflicts (2 of 4 stars). 2 submissions from 2 submitters: Uncertain significance (2). Last evaluated 2025-08-13.

Conditions:
Loeys-Dietz syndrome 4 (LDS4). Also called: ANEURYSM, AORTIC AND CEREBRAL, WITH ARTERIAL TORTUOSITY AND SKELETAL MANIFESTATIONS; TGFB2-Related Loeys-Dietz Syndrome. Identifiers: MedGen C3553762, MONDO:0013897, OMIM 614816.

Allele frequency attached by ClinVar (database versions not stated): gnomAD exomes below 0.00001 and 0.00002.
gnomAD v4.1: 34 of 1,613,422 alleles (0.0021%); highest among the groups gnomAD compares: Non-Finnish European, 0.0028%; no homozygotes.

Submissions (2):

Labcorp Genetics (formerly Invitae), Labcorp
Classification: Uncertain significance for Loeys-Dietz syndrome 4. Last evaluated: 2025-08-13. Review status: criteria provided, single submitter. Criteria: Invitae Variant Classification Sherloc (09022015). Collection method: clinical testing. Allele origin: germline.
Comment: This sequence change replaces leucine, which is neutral and non-polar, with phenylalanine, which is neutral and non-polar, at codon 172 of the TGFB2 protein (p.Leu172Phe). This variant is present in population databases (no rsID available, gnomAD 0.0009%). This variant has not been reported in the literature in individuals affected with TGFB2-related conditions. ClinVar contains an entry for this variant (Variation ID: 1038499). Invitae Evidence Modeling of protein sequence and biophysical properties (such as structural, functional, and spatial information, amino acid conservation, physicochemical variation, residue mobility, and thermodynamic stability) indicates that this missense variant is not expected to disrupt TGFB2 protein function with a negative predictive value of 80%. In summary, the available evidence is currently insufficient to determine the role of this variant in disease. Therefore, it has been classified as a Variant of Uncertain Significance.

Women's Health and Genetics/Laboratory Corporation of America, LabCorp
Classification: Uncertain significance. Last evaluated: 2024-09-30. Review status: criteria provided, single submitter. Criteria: LabCorp Variant Classification Summary - May 2015. Collection method: clinical testing. Allele origin: germline.
Comment: Variant summary: TGFB2 c.514C>T (p.Leu172Phe) results in a non-conservative amino acid change located in the TGF-beta, propeptide domain (IPR001111) of the encoded protein sequence. Four of five in-silico tools predict a damaging effect of the variant on protein function. The variant allele was found at a frequency of 4e-06 in 250970 control chromosomes. The available data on variant occurrences in the general population are insufficient to allow any conclusion about variant significance. To our knowledge, no occurrence of c.514C>T in individuals affected with Loeys-Dietz Syndrome and no experimental evidence demonstrating its impact on protein function have been reported. ClinVar contains an entry for this variant (Variation ID: 1038499). Based on the evidence outlined above, the variant was classified as uncertain significance.